The following is an entry in ClinVar:

NM_001367857.2(SATL1):c.906G>A (p.Arg302=)

Gene: SATL1 (spermidine/spermine N1-acetyl transferase like 1; minus strand). Cytogenetic location: Xq21.1.
Variant type: single nucleotide variant.
Coding change: c.906G>A on transcript NM_001367857.2 (MANE Select); coding-DNA position 906, G replaced by A.
Protein change: p.Arg302=; no amino-acid change (arginine 302 retained).
Molecular consequence: synonymous variant.
Genome position (GRCh38, 1-based): chrX:85,108,063, C>T on the plus strand (G>A on the coding strand, the complement: SATL1 is on the minus strand). VCF-style: chrX-85108063-C-T. GRCh37 (hg19) VCF-style: chrX-84363069-C-T.
Other names: c.906G>A, p.Arg302= (NM_001012980.2, NM_001367858.2).
Identifiers: ClinVar variation 2661000 (VCV002661000.24), dbSNP rs762213469, ClinGen allele CA10464408.

ClinVar aggregate classification (germline): Likely benign (1 of 4 stars; one submission).

Allele frequency attached by ClinVar (database versions not stated): gnomAD 0.00005; TOPMed 0.00006; ExAC 0.00007; gnomAD exomes 0.00009; 1000 Genomes Project 30x 0.00021.
gnomAD v4.1: 115 of 1,209,033 alleles (0.0095%); highest among the groups gnomAD compares: Middle Eastern, 0.76%; no homozygotes.

Submission:

CeGaT Center for Human Genetics Tuebingen
Classification: Likely benign. Last evaluated: 2025-09-01. Review status: criteria provided, single submitter. Criteria: CeGaT Center For Human Genetics Tuebingen Variant Classification Criteria Version 2. Collection method: clinical testing. Allele origin: germline. Affected: yes. Observed: 4 variant alleles.
Comment: SATL1: BP4, BP7, BS2